The following is an entry in ClinVar:

ClinVar aggregate classification (germline): Uncertain significance (1 of 4 stars; one submission).

Submission:

Ambry Genetics
Classification: Uncertain significance. Last evaluated: 2025-05-02. Review status: criteria provided, single submitter. Criteria: Ambry Variant Classification Scheme 2023. Collection method: clinical testing. Allele origin: germline.
Comment: The p.G1159R variant (also known as c.3475G>A), located in coding exon 14 of the WNK2 gene, results from a G to A substitution at nucleotide position 3475. The glycine at codon 1159 is replaced by arginine, an amino acid with dissimilar properties. This amino acid position is conserved. In addition, this alteration is predicted to be tolerated by in silico analysis. Based on the available evidence, the clinical significance of this variant remains unclear.

NM_006648.4(WNK2):c.3475G>A (p.Gly1159Arg)

Gene: WNK2 (WNK lysine deficient protein kinase 2; plus strand). Cytogenetic location: 9q22.31.
Variant type: single nucleotide variant.
Coding change: c.3475G>A on transcript NM_006648.4 (MANE Select); coding-DNA position 3475, G replaced by A.
Protein change: p.Gly1159Arg; replaces glycine 1159 with arginine.
Molecular consequence: missense variant.
Genome position (GRCh38, 1-based): chr9:93,263,630, G>A. VCF-style: chr9-93263630-G-A. GRCh37 (hg19) VCF-style: chr9-96025912-G-A.
Other names: c.3475G>A, p.Gly1159Arg (NM_001282394.3); short protein forms G1159R.
Identifiers: ClinVar variation 3981977 (VCV003981977.1).